The following is an entry in ClinVar:

ClinVar aggregate classification (germline): Uncertain significance (1 of 4 stars; one submission).

Conditions:
Primary ciliary dyskinesia 30. Also called: CILIARY DYSKINESIA, PRIMARY, 30, WITH OR WITHOUT SITUS INVERSUS. Identifiers: Orphanet 244, MedGen C4015016, MONDO:0014465, OMIM 616037.

Allele frequency attached by ClinVar (database versions not stated): gnomAD exomes below 0.00001; TOPMed 0.00001.
gnomAD v4.1: 2 of 1,613,814 alleles (0.00012%); 1 homozygote.

Submission:

Labcorp Genetics (formerly Invitae), Labcorp
Classification: Uncertain significance for Primary ciliary dyskinesia 30. Last evaluated: 2022-09-07. Review status: criteria provided, single submitter. Criteria: Invitae Variant Classification Sherloc (09022015). Collection method: clinical testing. Allele origin: germline.
Comment: In summary, the available evidence is currently insufficient to determine the role of this variant in disease. Therefore, it has been classified as a Variant of Uncertain Significance. Algorithms developed to predict the effect of missense changes on protein structure and function (SIFT, PolyPhen-2, Align-GVGD) all suggest that this variant is likely to be tolerated. ClinVar contains an entry for this variant (Variation ID: 1043185). This variant has not been reported in the literature in individuals affected with CCDC151-related conditions. This variant is present in population databases (no rsID available, gnomAD 0.006%). This sequence change replaces serine, which is neutral and polar, with arginine, which is basic and polar, at codon 302 of the CCDC151 protein (p.Ser302Arg).

NM_145045.5(ODAD3):c.904A>C (p.Ser302Arg)

Gene: ODAD3 (outer dynein arm docking complex subunit 3; minus strand). Cytogenetic location: 19p13.2.
Variant type: single nucleotide variant.
Coding change: c.904A>C on transcript NM_145045.5 (MANE Select); coding-DNA position 904, A replaced by C.
Protein change: p.Ser302Arg; replaces serine 302 with arginine.
Molecular consequence: missense variant.
Genome position (GRCh38, 1-based): chr19:11,426,203, T>G on the plus strand (A>C on the coding strand, the complement: ODAD3 is on the minus strand). VCF-style: chr19-11426203-T-G. GRCh37 (hg19) VCF-style: chr19-11537023-T-G.
Other names: c.742A>C, p.Ser248Arg (NM_001302453.1); c.724A>C, p.Ser242Arg (NM_001302454.2); short protein forms S248R, S302R, S242R.
Identifiers: ClinVar variation 1043185 (VCV001043185.10), dbSNP rs1423540068, ClinGen allele CA404123011.